The following is an entry in ClinVar:

ClinVar aggregate classification (germline): Pathogenic (1 of 4 stars; one submission).

Conditions:
Early-infantile DEE. Also called: Early infantile epileptic encephalopathy; Early infantile epileptic encephalopathy with suppression bursts; Ohtahara syndrome. Identifiers: Orphanet 1934, MedGen C0393706, MONDO:0800491.

Submission:

Labcorp Genetics (formerly Invitae), Labcorp
Classification: Pathogenic for Early-infantile DEE. Last evaluated: 2025-01-11. Review status: criteria provided, single submitter. Criteria: Invitae Variant Classification Sherloc (09022015). Collection method: clinical testing. Allele origin: germline.
Comment: This sequence change replaces threonine, which is neutral and polar, with arginine, which is basic and polar, at codon 146 of the SCN1A protein (p.Thr146Arg). This variant is not present in population databases (gnomAD no frequency). This missense change has been observed in individual(s) with autosomal dominant SCN1A-related conditions (PMID: 30619928). In at least one individual the variant was observed to be de novo. Invitae Evidence Modeling of protein sequence and biophysical properties (such as structural, functional, and spatial information, amino acid conservation, physicochemical variation, residue mobility, and thermodynamic stability) indicates that this missense variant is expected to disrupt SCN1A protein function with a positive predictive value of 95%. For these reasons, this variant has been classified as Pathogenic.

Literature cited by the submitters: PubMed 30619928.

NM_001165963.4(SCN1A):c.437C>G (p.Thr146Arg)

Gene: SCN1A (sodium voltage-gated channel alpha subunit 1; minus strand). Cytogenetic location: 2q24.3.
Variant type: single nucleotide variant.
Coding change: c.437C>G on transcript NM_001165963.4 (MANE Select); coding-DNA position 437, C replaced by G.
Protein change: p.Thr146Arg; replaces threonine 146 with arginine.
Molecular consequence: missense variant. On other transcripts: 5 prime UTR variant (1), non-coding transcript variant (1).
Genome position (GRCh38, 1-based): chr2:166,056,447, G>C on the plus strand (C>G on the coding strand, the complement: SCN1A is on the minus strand). VCF-style: chr2-166056447-G-C. GRCh37 (hg19) VCF-style: chr2-166912957-G-C.
Other names: c.437C>G, p.Thr146Arg (NM_001165964.3, NM_001202435.3, NM_001353948.2 and 10 more transcripts); c.-1989C>G (NM_001353961.2); short protein forms T146R.
Identifiers: ClinVar variation 3706342 (VCV003706342.2).
Genomic context (GRCh38, chr2:166,056,447, plus strand): 5'-ATTAAAAATATAAGTTGAACTTACTCTACATTCTTTGTCCAATCAGGAGGGTTACTCATT[G>C]TCATAAACACACAGTTTGTCAAAATAGTGCACATAATTAGCATGCTGAATAATGTAGGTT-3'
Protein context (NP_001159435.1, residues 136-156): CTILTNCVFM[Thr146Arg]MSNPPDWTKN